The following is an entry in ClinVar:

ClinVar aggregate classification (germline): Likely pathogenic (1 of 4 stars; one submission).

Conditions:
Combined oxidative phosphorylation defect type 27. Also called: Combined oxidative phosphorylation deficiency 27. Identifiers: Orphanet 477774, MedGen C5567608, MONDO:0014728, OMIM 616672.

Submission:

First Genomix Gene Laboratory, Genetic Diagnostics Department
Classification: Likely pathogenic for Combined oxidative phosphorylation defect type 27. Last evaluated: 2025-09-17. Review status: criteria provided, single submitter. Criteria: ACMG Guidelines, 2015. Collection method: clinical testing. Allele origin: germline. Inheritance: Autosomal recessive inheritance. Affected: no. Observed: 1 variant allele.

NM_024537.4(CARS2):c.386_393del (p.Ala129fs)

Gene: CARS2 (cysteinyl-tRNA synthetase 2, mitochondrial; minus strand). Cytogenetic location: 13q34.
Variant type: Deletion.
Coding change: c.386_393del on transcript NM_024537.4 (MANE Select); coding-DNA positions 386 to 393, 8 bases deleted (CCAATGAG; older notation c.386_393delCCAATGAG).
Protein change: p.Ala129fs; shifts the reading frame from alanine 129.
Molecular consequence: frameshift variant. On other transcripts: 5 prime UTR variant (1), non-coding transcript variant (2).
Genome position (GRCh38, 1-based): chr13:110,701,438-110,701,445, CTCATTGG deleted on the plus strand (CCAATGAG on the coding strand, the reverse complement: CARS2 is on the minus strand); deleting any 8 consecutive bases within chr13:110,701,438-110,701,448 gives the same sequence; the c. name uses the placement nearest the transcript's 3' end. VCF-style (leftmost placement, unchanged base first): chr13-110701437-CCTCATTGG-C. GRCh37 (hg19) VCF-style: chr13-111353784-CCTCATTGG-C.
Other names: c.-614_-607del (NM_001352252.2); c.386_393del, p.Ala129fs (NM_001352253.3); short protein forms A129fs.
Identifiers: ClinVar variation 4850362 (VCV004850362.1).